The following is an entry in ClinVar:

ClinVar aggregate classification (germline): Uncertain significance (1 of 4 stars; one submission).

Conditions:
Focal segmental glomerulosclerosis 9 (FSGS9). Identifiers: Orphanet 656, MedGen C4015555, MONDO:0014539, OMIM 616220.

Allele frequency attached by ClinVar (database versions not stated): gnomAD 0.00001.
gnomAD v4.1: 2 of 1,593,714 alleles (0.00013%); highest among the groups gnomAD compares: East Asian, 0.0023%; no homozygotes.

Submission:

Baylor Genetics
Classification: Uncertain significance for Focal segmental glomerulosclerosis 9. Last evaluated: 2018-08-15. Review status: criteria provided, single submitter. Criteria: ACMG Guidelines, 2015. Collection method: clinical testing. Allele origin: unknown. Affected: yes.
Comment: This variant was determined to be of uncertain significance according to ACMG Guidelines, 2015 [PMID:25741868].

NM_173689.7(CRB2):c.429C>T (p.Cys143=)

Gene: CRB2 (crumbs cell polarity complex component 2; plus strand). Cytogenetic location: 9q33.3.
Variant type: single nucleotide variant.
Coding change: c.429C>T on transcript NM_173689.7 (MANE Select); coding-DNA position 429, C replaced by T.
Protein change: p.Cys143=; no amino-acid change (cysteine 143 retained).
Molecular consequence: synonymous variant.
Genome position (GRCh38, 1-based): chr9:123,365,927, C>T. VCF-style: chr9-123365927-C-T. GRCh37 (hg19) VCF-style: chr9-126128206-C-T.
Identifiers: ClinVar variation 1033209 (VCV001033209.1), dbSNP rs2041924139, ClinGen allele CA467205025.